The following is an entry in ClinVar:

NM_005356.5(LCK):c.477del (p.Ala160fs)

Gene: LCK (LCK proto-oncogene, Src family tyrosine kinase; plus strand). Cytogenetic location: 1p35.2.
Variant type: Deletion.
Coding change: c.477del on transcript NM_005356.5 (MANE Select); coding-DNA position 477, one base deleted (C; older notation c.477delC).
Protein change: p.Ala160fs; shifts the reading frame from alanine 160.
Molecular consequence: frameshift variant.
Genome position (GRCh38, 1-based): chr1:32,275,668, C deleted; the last of 2 consecutive C bases (chr1:32,275,667-32,275,668); deleting either gives the same sequence. VCF-style (leftmost placement, unchanged base first): chr1-32275666-AC-A. GRCh37 (hg19) VCF-style: chr1-32741267-AC-A.
Other names: c.477del, p.Ala160fs (NM_001042771.3, NM_001330468.2); short protein forms A160fs.
Identifiers: ClinVar variation 1411689 (VCV001411689.6), dbSNP rs2124355238, ClinGen allele CA2573132231.

ClinVar aggregate classification (germline): Pathogenic (1 of 4 stars; one submission).

Conditions:
Severe combined immunodeficiency due to LCK deficiency. Also called: Immunodeficiency 22. Identifiers: Orphanet 280142, MedGen C4014233, MONDO:0014334, OMIM 615758.

Submission:

Labcorp Genetics (formerly Invitae), Labcorp
Classification: Pathogenic for Severe combined immunodeficiency due to LCK deficiency. Last evaluated: 2021-08-11. Review status: criteria provided, single submitter. Criteria: Invitae Variant Classification Sherloc (09022015). Collection method: clinical testing. Allele origin: germline.
Comment: This sequence change creates a premature translational stop signal (p.Ala160Argfs*19) in the LCK gene. It is expected to result in an absent or disrupted protein product. Loss-of-function variants in LCK are known to be pathogenic (PMID: 22985903, 27087313). The frequency data for this variant in the population databases is considered unreliable, as metrics indicate insufficient coverage at this position in the ExAC database. For these reasons, this variant has been classified as Pathogenic. This variant has not been reported in the literature in individuals affected with LCK-related conditions.

Literature cited by the submitters: PubMed 22985903; PubMed 27087313.